The following is an entry in ClinVar:

ClinVar aggregate classification (germline): Likely pathogenic (1 of 4 stars; one submission).

Conditions:
Ornithine carbamoyltransferase deficiency (OTCD). Also called: ORNITHINE TRANSCARBAMYLASE DEFICIENCY; ORNITHINE TRANSCARBAMYLASE DEFICIENCY, HYPERAMMONEMIA DUE TO; OTC DEFICIENCY; Ornithine Carbamoyltransferase Deficiency Disease. Identifiers: Orphanet 664, MedGen C0268542, MONDO:0010703, OMIM 311250.

Submission:

Myriad Genetics, Inc.
Classification: Likely pathogenic for Ornithine carbamoyltransferase deficiency. Last evaluated: 2022-01-06. Review status: criteria provided, single submitter. Criteria: Myriad Women's Health Autosomal Recessive and X-Linked Classification Criteria (2021). Collection method: clinical testing. Allele origin: unknown.
Comment: NM_000531.5(OTC):c.50_53delGTCA(G17Afs*20) is expected to be pathogenic in the context of ornithine transcarbamylase deficiency. This variant is predicted to lead to an abnormal or absent protein product due to the creation of a premature termination codon in OTC, a gene where loss-of-function variants are known to be pathogenic. Please note: this variant was assessed in the context of healthy population screening.

NM_000531.6(OTC):c.50_53del (p.Gly17fs)

Gene: OTC (ornithine transcarbamylase; plus strand). Cytogenetic location: Xp11.4.
Variant type: Deletion.
Coding change: c.50_53del on transcript NM_000531.6 (MANE Select); coding-DNA positions 50 to 53, 4 bases deleted (GTCA; older notation c.50_53delGTCA).
Protein change: p.Gly17fs; shifts the reading frame from glycine 17.
Molecular consequence: frameshift variant.
Genome position (GRCh38, 1-based): chrX:38,352,746-38,352,749, GTCA deleted. VCF-style (leftmost placement, unchanged base first): chrX-38352745-GGTCA-G. GRCh37 (hg19) VCF-style: chrX-38211998-GGTCA-G.
Other names: c.50_53delGTCA, p.Gly17Alafs (NM_001407092.1); short protein forms G17fs.
Identifiers: ClinVar variation 1726983 (VCV001726983.2), dbSNP rs2519941939, ClinGen allele CA2580100805.
Genomic context (GRCh38, chrX:38,352,745, plus strand): 5'-AATTAAAAGAAGATGCTGTTTAATCTGAGGATCCTGTTAAACAATGCAGCTTTTAGAAAT[GGTCA>G]CAACTTCATGGTTCGAAATTTTCGGTAAGTGATGGTCAGAGACTTGGGTTTGATTTAGGA-3'